The following is an entry in ClinVar:

ClinVar aggregate classification (germline): Uncertain significance. Review status: criteria provided, multiple submitters, no conflicts (2 of 4 stars). 3 submissions from 3 submitters: Uncertain significance (3). Last evaluated 2025-02-05.

Conditions:
Bifunctional peroxisomal enzyme deficiency (DBIF). Also called: DBP DEFICIENCY; PBFE DEFICIENCY; D-bifunctional protein deficiency. Identifiers: Orphanet 300, MedGen C0342870, MONDO:0009855, OMIM 261515. Disease mechanism: loss of function.
Perrault syndrome. Also called: Gonadal dysgenesis with auditory dysfunction, autosomal recessive inheritance. Identifiers: Orphanet 2855, MedGen C0685838, MONDO:0017312.
Inborn genetic diseases. Identifiers: MedGen C0950123, MeSH D030342.

Allele frequency attached by ClinVar (database versions not stated): gnomAD 0.00005; ESP Exome Variant Server 0.00023.
gnomAD v4.1: 26 of 1,612,698 alleles (0.0016%); highest among the groups gnomAD compares: African/African-American, 0.028%; no homozygotes.

Submissions (3):

GeneDx
Classification: Uncertain significance. Last evaluated: 2025-02-05. Review status: criteria provided, single submitter. Criteria: GeneDx Variant Classification Process June 2021. Collection method: clinical testing. Allele origin: germline.
Comment: In silico analysis supports that this missense variant has a deleterious effect on protein structure/function; Has not been previously published as pathogenic or benign to our knowledge

Ambry Genetics
Classification: Uncertain significance for Inborn genetic diseases. Last evaluated: 2024-01-23. Review status: criteria provided, single submitter. Criteria: Ambry Variant Classification Scheme 2023. Collection method: clinical testing. Allele origin: germline.

Labcorp Genetics (formerly Invitae), Labcorp
Classification: Uncertain significance for Perrault syndrome; Bifunctional peroxisomal enzyme deficiency. Last evaluated: 2022-08-19. Review status: criteria provided, single submitter. Criteria: Invitae Variant Classification Sherloc (09022015). Collection method: clinical testing. Allele origin: germline.
Comment: This sequence change replaces alanine, which is neutral and non-polar, with valine, which is neutral and non-polar, at codon 54 of the HSD17B4 protein (p.Ala54Val). This variant is present in population databases (rs141517981, gnomAD 0.04%). This variant has not been reported in the literature in individuals affected with HSD17B4-related conditions. Advanced modeling of protein sequence and biophysical properties (such as structural, functional, and spatial information, amino acid conservation, physicochemical variation, residue mobility, and thermodynamic stability) performed at Invitae indicates that this missense variant is not expected to disrupt HSD17B4 protein function. In summary, the available evidence is currently insufficient to determine the role of this variant in disease. Therefore, it has been classified as a Variant of Uncertain Significance.

NM_000414.4(HSD17B4):c.161C>T (p.Ala54Val)

Gene: HSD17B4 (hydroxysteroid 17-beta dehydrogenase 4; plus strand). Cytogenetic location: 5q23.1.
Variant type: single nucleotide variant.
Coding change: c.161C>T on transcript NM_000414.4 (MANE Select); coding-DNA position 161, C replaced by T.
Protein change: p.Ala54Val; replaces alanine 54 with valine.
Molecular consequence: missense variant. On other transcripts: 5 prime UTR variant (6), non-coding transcript variant (2).
Genome position (GRCh38, 1-based): chr5:119,473,956, C>T. VCF-style: chr5-119473956-C-T. GRCh37 (hg19) VCF-style: chr5-118809651-C-T.
Other names: c.236C>T, p.Ala79Val (NM_001199291.3); c.107C>T, p.Ala36Val (NM_001199292.2); c.89C>T, p.Ala30Val (NM_001292027.2); c.-251C>T (NM_001292028.2, NM_001374501.1); c.161C>T, p.Ala54Val (NM_001374497.1, NM_001374498.1); c.-120C>T (NM_001374499.1); c.-378C>T (NM_001374500.1); c.-256C>T (NM_001374502.1, NM_001374503.1); short protein forms A30V, A36V, A54V, A79V.
Identifiers: ClinVar variation 1712848 (VCV001712848.6), dbSNP rs141517981, ClinGen allele CA3381702.